The following is an entry in ClinVar:

ClinVar aggregate classification (germline): Uncertain significance. Review status: criteria provided, multiple submitters, no conflicts (2 of 4 stars). 3 submissions from 3 submitters: Uncertain significance (3). Last evaluated 2026-01-21.

Conditions:
Hereditary cancer-predisposing syndrome. Also called: Neoplastic Syndromes, Hereditary; Hereditary neoplastic syndrome; Hereditary Cancer Syndrome; Tumor predisposition. Identifiers: Orphanet 140162, MedGen C0027672, MeSH D009386, MONDO:0015356.
POLD1-related polyposis and colorectal cancer syndrome (CRCS10). Also called: Colorectal cancer, susceptibility to, 10; Colorectal cancer 10; COLORECTAL CANCER, SUSCEPTIBILITY TO, ON CHROMOSOME 19q. Identifiers: Orphanet 220460, MedGen C2675481, MONDO:0012953, OMIM 612591.

Allele frequency attached by ClinVar (database versions not stated): gnomAD 0.00003; gnomAD exomes 0.00003; TOPMed 0.00003; ExAC 0.00005.
gnomAD v4.1: 40 of 1,299,644 alleles (0.0031%); highest among the groups gnomAD compares: East Asian, 0.0052%; no homozygotes.

Submissions (3):

Labcorp Genetics (formerly Invitae), Labcorp
Classification: Uncertain significance for POLD1-related polyposis and colorectal cancer syndrome. Last evaluated: 2026-01-21. Review status: criteria provided, single submitter. Criteria: Invitae Variant Classification Sherloc (09022015). Collection method: clinical testing. Allele origin: germline.
Comment: This sequence change replaces glycine, which is neutral and non-polar, with arginine, which is basic and polar, at codon 913 of the POLD1 protein (p.Gly913Arg). The frequency data for this variant in the population databases is considered unreliable, as metrics indicate poor data quality at this position in the gnomAD database. This variant has not been reported in the literature in individuals affected with POLD1-related conditions. ClinVar contains an entry for this variant (Variation ID: 408007). Invitae Evidence Modeling of protein sequence and biophysical properties (such as structural, functional, and spatial information, amino acid conservation, physicochemical variation, residue mobility, and thermodynamic stability) indicates that this missense variant is expected to disrupt POLD1 protein function with a positive predictive value of 80%. In summary, the available evidence is currently insufficient to determine the role of this variant in disease. Therefore, it has been classified as a Variant of Uncertain Significance.

Ambry Genetics
Classification: Uncertain significance for Hereditary cancer-predisposing syndrome. Last evaluated: 2024-12-23. Review status: criteria provided, single submitter. Criteria: Ambry Variant Classification Scheme 2023. Collection method: clinical testing. Allele origin: germline.
Comment: The p.G913R variant (also known as c.2737G>A), located in coding exon 21 of the POLD1 gene, results from a G to A substitution at nucleotide position 2737. The glycine at codon 913 is replaced by arginine, an amino acid with dissimilar properties. This amino acid position is highly conserved in available vertebrate species. In addition, this alteration is predicted to be tolerated by in silico analysis. Based on the available evidence, the clinical significance of this variant remains unclear.

GeneDx
Classification: Uncertain significance. Last evaluated: 2023-08-30. Review status: criteria provided, single submitter. Criteria: GeneDx Variant Classification Process June 2021. Collection method: clinical testing. Allele origin: germline. Affected: yes.
Comment: In silico analysis supports that this missense variant has a deleterious effect on protein structure/function; Has not been previously published as pathogenic or benign to our knowledge; This variant is associated with the following publications: (PMID: 29056344)

NM_002691.4(POLD1):c.2737G>A (p.Gly913Arg)

Gene: POLD1 (DNA polymerase delta 1, catalytic subunit; plus strand). Cytogenetic location: 19q13.33.
Variant type: single nucleotide variant.
Coding change: c.2737G>A on transcript NM_002691.4 (MANE Select); coding-DNA position 2737, G replaced by A.
Protein change: p.Gly913Arg; replaces glycine 913 with arginine.
Molecular consequence: missense variant.
Genome position (GRCh38, 1-based): chr19:50,415,743, G>A. VCF-style: chr19-50415743-G-A. GRCh37 (hg19) VCF-style: chr19-50919000-G-A.
Other names: c.2737G>A, p.Gly913Arg (LRG_785t1, NM_001256849.1); c.2815G>A, p.Gly939Arg (LRG_785t2, NM_001308632.1); c.2737G>A (NM_002691.2); short protein forms G913R, G939R.
Identifiers: ClinVar variation 408007 (VCV000408007.12), dbSNP rs778012264, ClinGen allele CA9596648.
Genomic context (GRCh38, chr19:50,415,743, plus strand): 5'-CCCACCTGCCCTCACCCACCCGCCACCCCATCTCCACGCAGGATGAGGAAGCGGGACCCC[G>A]GGAGTGCGCCCAGCCTGGGCGACCGCGTCCCCTACGTGATCATCAGTGCCGCCAAGGGTG-3'
Protein context (NP_002682.2, residues 903-923): LAERMRKRDP[Gly913Arg]SAPSLGDRVP